The following is an entry in ClinVar:

NM_012072.4(CD93):c.758C>T (p.Ser253Leu)

Gene: CD93 (CD93 molecule; minus strand). Cytogenetic location: 20p11.21.
Variant type: single nucleotide variant.
Coding change: c.758C>T on transcript NM_012072.4 (MANE Select); coding-DNA position 758, C replaced by T.
Protein change: p.Ser253Leu; replaces serine 253 with leucine.
Molecular consequence: missense variant.
Genome position (GRCh38, 1-based): chr20:23,085,435, G>A on the plus strand (C>T on the coding strand, the complement: CD93 is on the minus strand). VCF-style: chr20-23085435-G-A. GRCh37 (hg19) VCF-style: chr20-23066072-G-A.
Other names: short protein forms S253L.
Identifiers: ClinVar variation 4977775 (VCV004977775.1).
Genomic context (GRCh38, chr20:23,085,435, plus strand): 5'-TGGTGGCAGCCCCCATTGTTGAAGTTGCAGCCATACTTGGGGCTGACACAGAGGGGGCCC[G>A]AGCTGCCCCAGTCGAACACATCGGGGGCCTTCTCCTTGCACAGGAAATAATGACTCTGAG-3'
Protein context (NP_036204.2, residues 243-263): KAPDVFDWGS[Ser253Leu]GPLCVSPKYG

ClinVar aggregate classification (germline): Uncertain significance (1 of 4 stars; one submission).

Conditions:
CD93-related disorder. Also called: CD93-related condition.

gnomAD v4.1: 24 of 1,613,736 alleles (0.0015%); highest among the groups gnomAD compares: East Asian, 0.018%; no homozygotes.

Submission:

PreventionGenetics, part of Exact Sciences
Classification: Uncertain significance for CD93-related condition. Last evaluated: 2025-03-14. Review status: criteria provided, single submitter. Criteria: ACMG Guidelines, 2015. Collection method: clinical testing. Allele origin: germline.
Comment: The CD93 c.758C>T variant is predicted to result in the amino acid substitution p.Ser253Leu. To our knowledge, this variant has not been reported in the literature. This variant is reported in 0.018% of alleles in individuals of African descent in gnomAD. At this time, the clinical significance of this variant is uncertain due to the absence of conclusive functional and genetic evidence.